The following is an entry in ClinVar:

NM_006393.3(NEBL):c.2032C>T (p.Arg678Ter)

Gene: NEBL (nebulette; minus strand). Cytogenetic location: 10p12.31.
Variant type: single nucleotide variant.
Coding change: c.2032C>T on transcript NM_006393.3 (MANE Select); coding-DNA position 2032, C replaced by T.
Protein change: p.Arg678Ter; replaces arginine 678 with a stop codon.
Molecular consequence: nonsense. On other transcripts: intron variant (9).
Genome position (GRCh38, 1-based): chr10:20,819,447, G>A on the plus strand (C>T on the coding strand, the complement: NEBL is on the minus strand). VCF-style: chr10-20819447-G-A. GRCh37 (hg19) VCF-style: chr10-21108376-G-A.
Other names: c.250-6507C>T (NM_001377326.1, NM_001377327.1, NM_001377328.1); c.358-6507C>T (NM_213569.2, NM_001173484.2, NM_001377322.1); c.301-6507C>T (NM_001377324.1); c.292-6507C>T (NM_001377325.1); c.310-6507C>T (NM_001377323.1); short protein forms R678*.
Identifiers: ClinVar variation 2891330 (VCV002891330.3), dbSNP rs761519235, ClinGen allele CA5432639.

ClinVar aggregate classification (germline): Uncertain significance (1 of 4 stars; one submission).

Conditions:
Primary dilated cardiomyopathy (DCM). Also called: Dilated Cardiomyopathy. Identifiers: Orphanet 217604, MedGen C0007193, MeSH D002311, MONDO:0005021, HP:0001644. Inheritance: Various modes of inheritance.

Allele frequency attached by ClinVar (database versions not stated): gnomAD 0.00001; TOPMed 0.00002.
gnomAD v4.1: 18 of 1,613,896 alleles (0.0011%); highest among the groups gnomAD compares: East Asian, 0.0045%; no homozygotes.

Submission:

Labcorp Genetics (formerly Invitae), Labcorp
Classification: Uncertain significance for Primary dilated cardiomyopathy. Last evaluated: 2024-11-27. Review status: criteria provided, single submitter. Criteria: Invitae Variant Classification Sherloc (09022015). Collection method: clinical testing. Allele origin: germline.
Comment: This sequence change creates a premature translational stop signal (p.Arg678*) in the NEBL gene. It is expected to result in an absent or disrupted protein product. However, the current clinical and genetic evidence is not sufficient to establish whether loss-of-function variants in NEBL cause disease. The frequency data for this variant in the population databases is considered unreliable, as metrics indicate poor data quality at this position in the gnomAD database. This variant has not been reported in the literature in individuals affected with NEBL-related conditions. ClinVar contains an entry for this variant (Variation ID: 2891330). In summary, the available evidence is currently insufficient to determine the role of this variant in disease. Therefore, it has been classified as a Variant of Uncertain Significance.